The following is an entry in ClinVar:

NM_005523.6(HOXA11):c.312C>A (p.Gly104=)

Genes: HOXA11 (homeobox A11; minus strand), LOC107126281 (NUP98-HOXA11 recombination region; plus strand). Cytogenetic location: 7p15.2.
Variant type: single nucleotide variant.
Coding change: c.312C>A on transcript NM_005523.6 (MANE Select); coding-DNA position 312, C replaced by A.
Protein change: p.Gly104=; no amino-acid change (glycine 104 retained).
Molecular consequence: synonymous variant.
Genome position (GRCh38, 1-based): chr7:27,184,833, G>T on the plus strand (C>A on the coding strand, the complement: HOXA11 is on the minus strand). VCF-style: chr7-27184833-G-T. GRCh37 (hg19) VCF-style: chr7-27224452-G-T.
Identifiers: ClinVar variation 4989285 (VCV004989285.1).

ClinVar aggregate classification (germline): Likely benign (1 of 4 stars; one submission).

Conditions:
HOXA11-related disorder. Also called: HOXA11-related condition.

Submission:

PreventionGenetics, part of Exact Sciences
Classification: Likely benign for HOXA11-related condition. Last evaluated: 2025-03-05. Review status: criteria provided, single submitter. Criteria: ACMG Guidelines, 2015. Collection method: clinical testing. Allele origin: germline.
Comment: This variant is classified as likely benign based on ACMG/AMP sequence variant interpretation guidelines (Richards et al. 2015 PMID: 25741868, with internal and published modifications).